The following is an entry in ClinVar:

NM_006648.4(WNK2):c.435G>C (p.Glu145Asp)

Gene: WNK2 (WNK lysine deficient protein kinase 2; plus strand). Cytogenetic location: 9q22.31.
Variant type: single nucleotide variant.
Coding change: c.435G>C on transcript NM_006648.4 (MANE Select); coding-DNA position 435, G replaced by C.
Protein change: p.Glu145Asp; replaces glutamic acid 145 with aspartic acid.
Molecular consequence: missense variant.
Genome position (GRCh38, 1-based): chr9:93,185,364, G>C. VCF-style: chr9-93185364-G-C. GRCh37 (hg19) VCF-style: chr9-95947646-G-C.
Other names: c.435G>C, p.Glu145Asp (NM_001282394.3); short protein forms E145D.
Identifiers: ClinVar variation 4201914 (VCV004201914.1).
Genomic context (GRCh38, chr9:93,185,364, plus strand): 5'-CCCGGACCCCATCGCAGCCGCTGTCGAAACCGCGCCTGCCCCCGACGGCGGCCCCAGGGA[G>C]GAGGCGGCGGCGACCGTGAGGAAGGAGGATGAGGGGGCGGCCGAGGCGAAGCCTGAGCCC-3'
Protein context (NP_006639.3, residues 135-155): TAPAPDGGPR[Glu145Asp]EAAATVRKED

ClinVar aggregate classification (germline): Uncertain significance (1 of 4 stars; one submission).

Submission:

Ambry Genetics
Classification: Uncertain significance. Last evaluated: 2025-09-14. Review status: criteria provided, single submitter. Criteria: Ambry Variant Classification Scheme 2023. Collection method: clinical testing. Allele origin: germline.
Comment: The p.E145D variant (also known as c.435G>C), located in coding exon 1 of the WNK2 gene, results from a G to C substitution at nucleotide position 435. The glutamic acid at codon 145 is replaced by aspartic acid, an amino acid with highly similar properties. This amino acid position is conserved. In addition, this alteration is predicted to be tolerated by in silico analysis. Based on the available evidence, the clinical significance of this variant remains unclear.